The following is an entry in ClinVar:

NM_002528.7(NTHL1):c.418G>T (p.Ala140Ser)

Gene: NTHL1 (nth like DNA glycosylase 1; minus strand). Cytogenetic location: 16p13.3.
Variant type: single nucleotide variant.
Coding change: c.418G>T on transcript NM_002528.7 (MANE Select); coding-DNA position 418, G replaced by T.
Protein change: p.Ala140Ser; replaces alanine 140 with serine.
Molecular consequence: missense variant. On other transcripts: intron variant (1).
Genome position (GRCh38, 1-based): chr16:2,044,737, C>A on the plus strand (G>T on the coding strand, the complement: NTHL1 is on the minus strand). VCF-style: chr16-2044737-C-A. GRCh37 (hg19) VCF-style: chr16-2094738-C-A.
Other names: c.88G>T, p.Ala30Ser (NM_001318194.2); c.355-1011G>T (NM_001318193.2); short protein forms A140S, A30S.
Identifiers: ClinVar variation 2709095 (VCV002709095.3), dbSNP rs2548316339, ClinGen allele CA394294444.

ClinVar aggregate classification (germline): Uncertain significance (1 of 4 stars; one submission).

Submission:

Labcorp Genetics (formerly Invitae), Labcorp
Classification: Uncertain significance. Last evaluated: 2024-01-12. Review status: criteria provided, single submitter. Criteria: Invitae Variant Classification Sherloc (09022015). Collection method: clinical testing. Allele origin: germline.
Comment: This sequence change replaces alanine, which is neutral and non-polar, with serine, which is neutral and polar, at codon 148 of the NTHL1 protein (p.Ala148Ser). This variant is not present in population databases (gnomAD no frequency). This variant has not been reported in the literature in individuals affected with NTHL1-related conditions. An algorithm developed to predict the effect of missense changes on protein structure and function (PolyPhen-2) suggests that this variant is likely to be tolerated. In summary, the available evidence is currently insufficient to determine the role of this variant in disease. Therefore, it has been classified as a Variant of Uncertain Significance.